The following is an entry in ClinVar:

NM_000059.4(BRCA2):c.3493del (p.His1165fs)

Gene: BRCA2 (BRCA2 DNA repair associated; plus strand). Cytogenetic location: 13q13.1.
Variant type: Deletion.
Coding change: c.3493del on transcript NM_000059.4 (MANE Select); coding-DNA position 3493, one base deleted (C; older notation c.3493delC).
Protein change: p.His1165fs; shifts the reading frame from histidine 1165.
Molecular consequence: frameshift variant. On other transcripts: non-coding transcript variant (1), intron variant (2).
Genome position (GRCh38, 1-based): chr13:32,337,848, C deleted. VCF-style (leftmost placement, unchanged base first): chr13-32337847-TC-T. GRCh37 (hg19) VCF-style: chr13-32911984-TC-T.
Other names: c.3493del, p.His1165fs (NM_001406719.1, NM_001406720.1); c.1909+4461del (NM_001406721.1); c.425-6710del (NM_001406722.1); short protein forms H1165fs.
Identifiers: ClinVar variation 2451477 (VCV002451477.5), dbSNP rs2548526090, ClinGen allele CA2580087085.

ClinVar aggregate classification (germline): Pathogenic. Review status: criteria provided, multiple submitters, no conflicts (2 of 4 stars). 2 submissions from 2 submitters: Pathogenic (2). Last evaluated 2026-01-04.

Conditions:
Hereditary cancer-predisposing syndrome. Also called: Neoplastic Syndromes, Hereditary; Tumor predisposition; Hereditary neoplastic syndrome; Hereditary Cancer Syndrome. Identifiers: Orphanet 140162, MedGen C0027672, MeSH D009386, MONDO:0015356.
Hereditary breast ovarian cancer syndrome. Also called: Hereditary breast and/or ovarian cancer syndrome; BRCA1- and BRCA2-Associated Hereditary Breast and Ovarian Cancer; Hereditary breast and ovarian cancer syndrome; Hereditary breast and ovarian cancer; Hereditary breast and ovarian cancer syndrome (HBOC); Breast and ovarian cancer. Identifiers: Orphanet 145, MedGen C0677776, MeSH D061325, MONDO:0003582. Disease mechanism: loss of function.

Submissions (2):

Labcorp Genetics (formerly Invitae), Labcorp
Classification: Pathogenic for Hereditary breast ovarian cancer syndrome. Last evaluated: 2026-01-04. Review status: criteria provided, single submitter. Criteria: Invitae Variant Classification Sherloc (09022015). Collection method: clinical testing. Allele origin: germline.
Comment: This sequence change creates a premature translational stop signal (p.His1165Metfs*3) in the BRCA2 gene. It is expected to result in an absent or disrupted protein product. Loss-of-function variants in BRCA2 are known to be pathogenic (PMID: 20104584). This variant is not present in population databases (gnomAD no frequency). This variant has not been reported in the literature in individuals affected with BRCA2-related conditions. ClinVar contains an entry for this variant (Variation ID: 2451477). For these reasons, this variant has been classified as Pathogenic.

Ambry Genetics
Classification: Pathogenic for Hereditary cancer-predisposing syndrome. Last evaluated: 2022-11-03. Review status: criteria provided, single submitter. Criteria: Ambry Variant Classification Scheme 2023. Collection method: clinical testing. Allele origin: germline.
Comment: The c.3493delC pathogenic mutation, located in coding exon 10 of the BRCA2 gene, results from a deletion of one nucleotide at nucleotide position 3493, causing a translational frameshift with a predicted alternate stop codon (p.H1165Mfs*3). This variant is considered to be rare based on population cohorts in the Genome Aggregation Database (gnomAD). This alteration is expected to result in loss of function by premature protein truncation or nonsense-mediated mRNA decay. As such, this alteration is interpreted as a disease-causing mutation.

Literature cited by the submitters: PubMed 20104584 (cited by Labcorp Genetics (formerly Invitae), Labcorp).